The following is an entry in ClinVar:

ClinVar aggregate classification (germline): Likely pathogenic (1 of 4 stars; one submission).

Conditions:
RTN2-related disorder. Also called: RTN2-related condition.

Submission:

PreventionGenetics, part of Exact Sciences
Classification: Likely pathogenic for RTN2-related condition. Last evaluated: 2026-08-10. Review status: criteria provided, single submitter. Criteria: ACMG Guidelines, 2015. Collection method: clinical testing. Allele origin: germline.
Comment: The RTN2 c.1381-1G>C variant is predicted to disrupt the AG splice acceptor site and interfere with normal splicing. To our knowledge, this variant has not been reported in the literature or in a large population database (gnomAD), indicating this variant is rare. Loss-of-function variants in RTN2 are expected to be pathogenic for autosomal recessive distal hereditary motor neuropathy with spasticity (Maroofian et al. 2024. PubMed ID: 38527963). This variant is interpreted as likely pathogenic for autosomal recessive RTN2-related disorders.

NM_005619.5(RTN2):c.1381-1G>C

Genes: OPA3-RTN2 (OPA3-RTN2 readthrough; minus strand), RTN2 (reticulon 2; minus strand). Cytogenetic location: 19q13.32.
Variant type: single nucleotide variant.
Coding change: c.1381-1G>C on transcript NM_005619.5 (MANE Select); the canonical splice acceptor site of the intron before coding-DNA position 1381, G replaced by C.
Molecular consequence: splice acceptor variant.
Genome position (GRCh38, 1-based): chr19:45,488,707, C>G on the plus strand (G>C on the coding strand, the complement: RTN2 is on the minus strand). VCF-style: chr19-45488707-C-G. GRCh37 (hg19) VCF-style: chr19-45991965-C-G.
Other names: c.1162-1G>C (NM_206900.3); c.361-1G>C (NM_206901.3).
Identifiers: ClinVar variation 4993493 (VCV004993493.1).